The following is an entry in ClinVar:

NM_001130009.3(GEN1):c.952A>C (p.Lys318Gln)

Gene: GEN1 (GEN1 structure-specific endonuclease; plus strand). Cytogenetic location: 2p24.2.
Variant type: single nucleotide variant.
Coding change: c.952A>C on transcript NM_001130009.3 (MANE Select); coding-DNA position 952, A replaced by C.
Protein change: p.Lys318Gln; replaces lysine 318 with glutamine.
Molecular consequence: missense variant.
Genome position (GRCh38, 1-based): chr2:17,772,783, A>C. VCF-style: chr2-17772783-A-C. GRCh37 (hg19) VCF-style: chr2-17954050-A-C.
Other names: c.952A>C, p.Lys318Gln (NM_182625.5); short protein forms K318Q.
Identifiers: ClinVar variation 2328558 (VCV002328558.3), dbSNP rs2545587021, ClinGen allele CA345917654.
Genomic context (GRCh38, chr2:17,772,783, plus strand): 5'-TGTGAGTGGCACCGTACAGAACATGATAGGCAACTCAGTGAAGTAGAGAACAATATTAAG[A>C]AGTAAGTTTTTTTAAAAACTCATGATTTTTCCTGGCATGACCTATACACATACCTTTGGT-3'
Protein context (NP_001123481.3, residues 308-328): QLSEVENNIK[Lys318Gln]KACCCEGFPF

ClinVar aggregate classification (germline): Uncertain significance (1 of 4 stars; one submission).

Submission:

Ambry Genetics
Classification: Uncertain significance. Last evaluated: 2025-10-21. Review status: criteria provided, single submitter. Criteria: Ambry Variant Classification Scheme 2023. Collection method: clinical testing. Allele origin: germline.
Comment: The p.K318Q variant (also known as c.952A>C), located in coding exon 7 of the GEN1 gene, results from an A to C substitution at nucleotide position 952. The lysine at codon 318 is replaced by glutamine, an amino acid with similar properties. This amino acid position is conserved. In addition, this alteration is predicted to be tolerated by in silico analysis. Based on the available evidence, the clinical significance of this variant remains unclear.